The following is an entry in ClinVar:

ClinVar aggregate classification (germline): Uncertain significance (1 of 4 stars; one submission).

Conditions:
Dyskeratosis congenita. Identifiers: Orphanet 1775, MedGen C0265965, MONDO:0015780.

Allele frequency attached by ClinVar (database versions not stated): gnomAD exomes below 0.00001.

Submission:

Labcorp Genetics (formerly Invitae), Labcorp
Classification: Uncertain significance for Dyskeratosis congenita. Last evaluated: 2024-04-15. Review status: criteria provided, single submitter. Criteria: Invitae Variant Classification Sherloc (09022015). Collection method: clinical testing. Allele origin: germline.
Comment: This sequence change replaces alanine, which is neutral and non-polar, with threonine, which is neutral and polar, at codon 447 of the CTC1 protein (p.Ala447Thr). This variant is present in population databases (no rsID available, gnomAD 0.0009%). This variant has not been reported in the literature in individuals affected with CTC1-related conditions. ClinVar contains an entry for this variant (Variation ID: 1035913). Advanced modeling of protein sequence and biophysical properties (such as structural, functional, and spatial information, amino acid conservation, physicochemical variation, residue mobility, and thermodynamic stability) performed at Invitae indicates that this missense variant is not expected to disrupt CTC1 protein function with a negative predictive value of 80%. In summary, the available evidence is currently insufficient to determine the role of this variant in disease. Therefore, it has been classified as a Variant of Uncertain Significance.

NM_025099.6(CTC1):c.1339G>A (p.Ala447Thr)

Gene: CTC1 (CST telomere replication complex component 1; minus strand). Cytogenetic location: 17p13.1.
Variant type: single nucleotide variant.
Coding change: c.1339G>A on transcript NM_025099.6 (MANE Select); coding-DNA position 1339, G replaced by A.
Protein change: p.Ala447Thr; replaces alanine 447 with threonine.
Molecular consequence: missense variant. On other transcripts: non-coding transcript variant (1).
Genome position (GRCh38, 1-based): chr17:8,235,153, C>T on the plus strand (G>A on the coding strand, the complement: CTC1 is on the minus strand). VCF-style: chr17-8235153-C-T. GRCh37 (hg19) VCF-style: chr17-8138471-C-T.
Other names: short protein forms A447T.
Identifiers: ClinVar variation 1035913 (VCV001035913.8), dbSNP rs1223603855, ClinGen allele CA397984646.